The following is an entry in ClinVar:

ClinVar aggregate classification (germline): Likely pathogenic (1 of 4 stars; one submission).

Conditions:
Aicardi-Goutieres syndrome 5. Identifiers: Orphanet 51, MedGen C2749659, MONDO:0013059, OMIM 612952.

Submission:

Labcorp Genetics (formerly Invitae), Labcorp
Classification: Likely pathogenic for Aicardi-Goutieres syndrome 5. Last evaluated: 2022-07-05. Review status: criteria provided, single submitter. Criteria: Invitae Variant Classification Sherloc (09022015). Collection method: clinical testing. Allele origin: germline.
Comment: In summary, the currently available evidence indicates that the variant is pathogenic, but additional data are needed to prove that conclusively. Therefore, this variant has been classified as Likely Pathogenic. Algorithms developed to predict the effect of sequence changes on RNA splicing suggest that this variant may disrupt the consensus splice site. This variant has not been reported in the literature in individuals affected with SAMHD1-related conditions. This variant is not present in population databases (gnomAD no frequency). This sequence change affects an acceptor splice site in intron 11 of the SAMHD1 gene. It is expected to disrupt RNA splicing. Variants that disrupt the donor or acceptor splice site typically lead to a loss of protein function (PMID: 16199547), and loss-of-function variants in SAMHD1 are known to be pathogenic (PMID: 19525956, 22461318).

Literature cited by the submitters: PubMed 16199547; PubMed 19525956; PubMed 22461318.

NM_015474.4(SAMHD1):c.1271-1G>C

Gene: SAMHD1 (SAM and HD domain containing deoxynucleoside triphosphate triphosphohydrolase 1; minus strand). Cytogenetic location: 20q11.23.
Variant type: single nucleotide variant.
Coding change: c.1271-1G>C on transcript NM_015474.4 (MANE Select); the canonical splice acceptor site of the intron before coding-DNA position 1271, G replaced by C.
Molecular consequence: splice acceptor variant.
Genome position (GRCh38, 1-based): chr20:36,905,504, C>G on the plus strand (G>C on the coding strand, the complement: SAMHD1 is on the minus strand). VCF-style: chr20-36905504-C-G. GRCh37 (hg19) VCF-style: chr20-35533907-C-G.
Other names: c.1271-1G>C (NM_001363729.2, NM_001363733.2).
Identifiers: ClinVar variation 2050345 (VCV002050345.4), dbSNP rs2515229165, ClinGen allele CA408842639.
Genomic context (GRCh38, chr20:36,905,504, plus strand): 5'-TCTCTCGTGCGTCTTTCAATTTGGGATCAGTAGAGTATAAAATCTCCAGAAAAATGTTAT[C>G]TGCCAATTTAATGACATTTCAGTTATATTAAAATAAAAACACAGAGTTAAAGAATTATAT-3'